The following is an entry in ClinVar:

ClinVar aggregate classification (germline): Likely benign (1 of 4 stars; one submission).

Allele frequency attached by ClinVar (database versions not stated): gnomAD exomes below 0.00001.
gnomAD v4.1: 3 of 1,613,010 alleles (0.00019%); highest among the groups gnomAD compares: Non-Finnish European, 0.00025%; no homozygotes.

Submission:

GeneDx
Classification: Likely benign. Last evaluated: 2016-03-22. Review status: criteria provided, single submitter. Criteria: GeneDx Variant Classification (06012015). Collection method: clinical testing. Allele origin: germline. Affected: yes.
Comment: This variant is considered likely benign or benign based on one or more of the following criteria: it is a conservative change, it occurs at a poorly conserved position in the protein, it is predicted to be benign by multiple in silico algorithms, and/or has population frequency not consistent with disease.

NM_025150.5(TARS2):c.1020+15G>A

Gene: TARS2 (threonyl-tRNA synthetase 2, mitochondrial; plus strand). Cytogenetic location: 1q21.2.
Variant type: single nucleotide variant.
Coding change: c.1020+15G>A on transcript NM_025150.5 (MANE Select); 15 bases into the intron after coding-DNA position 1020, G replaced by A.
Molecular consequence: intron variant.
Genome position (GRCh38, 1-based): chr1:150,496,923, G>A. VCF-style: chr1-150496923-G-A. GRCh37 (hg19) VCF-style: chr1-150469399-G-A.
Other names: c.775-607G>A (NM_001271895.2); c.631-607G>A (NM_001271896.2).
Identifiers: ClinVar variation 384213 (VCV000384213.1), dbSNP rs1057521898, ClinGen allele CA16603402.